The following is an entry in ClinVar:

ClinVar aggregate classification (germline): Conflicting classifications of pathogenicity. Review status: criteria provided, conflicting classifications (1 of 4 stars). 6 submissions from 6 submitters: Uncertain significance (4); Likely benign (1). 1 of the submissions does not count toward it. Last evaluated 2025-12-20.

Conditions:
Hereditary cancer-predisposing syndrome. Also called: Hereditary Cancer Syndrome; Neoplastic Syndromes, Hereditary; Hereditary neoplastic syndrome; Tumor predisposition. Identifiers: Orphanet 140162, MedGen C0027672, MeSH D009386, MONDO:0015356.
Hereditary breast ovarian cancer syndrome. Also called: Breast and ovarian cancer; Hereditary breast and/or ovarian cancer syndrome; Hereditary breast and ovarian cancer; Hereditary breast and ovarian cancer syndrome; Hereditary breast and ovarian cancer syndrome (HBOC); BRCA1- and BRCA2-Associated Hereditary Breast and Ovarian Cancer. Identifiers: Orphanet 145, MedGen C0677776, MeSH D061325, MONDO:0003582. Disease mechanism: loss of function.
Breast-ovarian cancer, familial, susceptibility to, 2 (BROVCA2). Also called: BRCA2 Hereditary Breast and Ovarian Cancer. Identifiers: Orphanet 145, MedGen C2675520, MONDO:0012933, OMIM 612555. Disease mechanism: loss of function.

Allele frequency attached by ClinVar (database versions not stated): TOPMed below 0.00001; gnomAD 0.00001.
gnomAD v4.1: 7 of 1,613,916 alleles (0.00043%); highest among the groups gnomAD compares: Non-Finnish European, 0.00051%; no homozygotes.

Submissions (6):

Labcorp Genetics (formerly Invitae), Labcorp
Classification: Uncertain significance for Hereditary breast ovarian cancer syndrome. Last evaluated: 2025-12-20. Review status: criteria provided, single submitter. Criteria: Invitae Variant Classification Sherloc (09022015). Collection method: clinical testing. Allele origin: germline.
Comment: This sequence change replaces leucine, which is neutral and non-polar, with phenylalanine, which is neutral and non-polar, at codon 2279 of the BRCA2 protein (p.Leu2279Phe). This variant is present in population databases (rs431825346, gnomAD 0.0009%). This missense change has been observed in individual(s) with breast cancer (PMID: 23884708). This variant is also known as 7065A>T. ClinVar contains an entry for this variant (Variation ID: 96842). Invitae Evidence Modeling of protein sequence and biophysical properties (such as structural, functional, and spatial information, amino acid conservation, physicochemical variation, residue mobility, and thermodynamic stability) indicates that this missense variant is not expected to disrupt BRCA2 protein function with a negative predictive value of 95%. In summary, the available evidence is currently insufficient to determine the role of this variant in disease. Therefore, it has been classified as a Variant of Uncertain Significance.

Ambry Genetics
Classification: Uncertain significance for Hereditary cancer-predisposing syndrome. Last evaluated: 2025-07-03. Review status: criteria provided, single submitter. Criteria: Ambry Variant Classification Scheme 2023. Collection method: clinical testing. Allele origin: germline.
Comment: The p.L2279F variant (also known as c.6837A>T), located in coding exon 10 of the BRCA2 gene, results from an A to T substitution at nucleotide position 6837. The leucine at codon 2279 is replaced by phenylalanine, an amino acid with highly similar properties. This amino acid position is poorly conserved in available vertebrate species. In addition, this alteration is predicted to be tolerated by in silico analysis. Since supporting evidence is limited at this time, the clinical significance of this alteration remains unclear.

Quest Diagnostics Nichols Institute San Juan Capistrano
Classification: Uncertain significance. Last evaluated: 2025-06-03. Review status: criteria provided, single submitter. Criteria: Quest Diagnostics criteria. Collection method: clinical testing. Allele origin: unknown.
Comment: The BRCA2 c.6837A>T (p.Leu2279Phe) variant has been reported in the published literature in individuals with a personal or family history of breast and/or ovarian cancer (PMIDs: 33471991 (2021), 23884708 (2014), see also LOVD. Additionally, the variant is located in a region of the BRCA gene2 that is tolerant to missense sequence changes (PMID: 31911673 (2020)). This variant has not been reported in large, multi-ethnic general populations (Genome Aggregation Database). Analysis of this variant using bioinformatics tools for the prediction of the effect of amino acid changes on protein structure and function yielded predictions that this variant is benign. Based on the available information, we are unable to determine the clinical significance of this variant.

Color Diagnostics, LLC DBA Color Health
Classification: Uncertain significance for Hereditary cancer-predisposing syndrome. Last evaluated: 2023-05-17. Review status: criteria provided, single submitter. Criteria: ACMG Guidelines, 2015. Collection method: clinical testing. Allele origin: germline.
Comment: This missense variant replaces leucine with phenylalanine at codon 2279 of the BRCA2 protein. Computational prediction suggests that this variant may not impact protein structure and function (internally defined REVEL score threshold <= 0.5, PMID: 27666373). To our knowledge, functional studies have not been reported for this variant. This variant has been reported in individuals with a personal or family history of breast and/or ovarian cancer (PMID: 23884708, 33471991; Leiden Open Variation Database DB-ID BRCA2_008517). This variant has been identified in 1/246020 chromosomes in the general population by the Genome Aggregation Database (gnomAD). The available evidence is insufficient to determine the role of this variant in disease conclusively. Therefore, this variant is classified as a Variant of Uncertain Significance.

University of Washington Department of Laboratory Medicine, University of Washington
Classification: Likely benign for Hereditary cancer-predisposing syndrome. Last evaluated: 2023-03-23. Review status: criteria provided, single submitter. Criteria: Dines et al. (Genet Med. 2020). Collection method: curation. Allele origin: germline.
Comment: Missense variant in a coldspot region where missense variants are very unlikely to be pathogenic (PMID:31911673).

BRCA2 exon 11 coldspot. Reclassification based on statistical prior probability.

Sharing Clinical Reports Project (SCRP)
Classification: Uncertain significance for Breast-ovarian cancer, familial 2. Last evaluated: 2012-03-12. Review status: no assertion criteria provided. Collection method: clinical testing. Allele origin: germline. Not counted in ClinVar's aggregate classification.

Literature cited by the submitters: PubMed 23884708 (cited by 4 submitters); PubMed 33471991 (cited by Quest Diagnostics Nichols Institute San Juan Capistrano and Color Diagnostics, LLC DBA Color Health); PubMed 31911673 (cited by Quest Diagnostics Nichols Institute San Juan Capistrano).

NM_000059.4(BRCA2):c.6837A>T (p.Leu2279Phe)

Gene: BRCA2 (BRCA2 DNA repair associated; plus strand). Cytogenetic location: 13q13.1.
Variant type: single nucleotide variant.
Coding change: c.6837A>T on transcript NM_000059.4 (MANE Select); coding-DNA position 6837, A replaced by T.
Protein change: p.Leu2279Phe; replaces leucine 2279 with phenylalanine.
Molecular consequence: missense variant.
Genome position (GRCh38, 1-based): chr13:32,341,192, A>T. VCF-style: chr13-32341192-A-T. GRCh37 (hg19) VCF-style: chr13-32915329-A-T.
Other names: 7065A>T; short protein forms L2279F.
Identifiers: ClinVar variation 96842 (VCV000096842.20), dbSNP rs431825346, ClinGen allele CA024480.
Genomic context (GRCh38, chr13:32,341,192, plus strand): 5'-TGAGGAAATGGTTTTGTCAAATTCAAGAATTGGAAAAAGAAGAGGAGAGCCCCTTATCTT[A>T]GTGGGTAAGTGTTCATTTTTACCTTTCGTGTTGCCAATCACTATTTTTAAAGTGTTTATT-3'
Protein context (NP_000050.3, residues 2269-2289): IGKRRGEPLI[Leu2279Phe]VGEPSIKRNL